The following is an entry in ClinVar:

ClinVar aggregate classification (germline): Likely benign. Review status: criteria provided, multiple submitters, no conflicts (2 of 4 stars). 4 submissions from 4 submitters: Likely benign (3). 1 of the submissions does not count toward it. Last evaluated 2025-08-18.

Conditions:
Spastic paraplegia. Identifiers: MedGen C0037772, HP:0001258.
Hereditary spastic paraplegia 12 (SPG12). Also called: SPASTIC PARAPLEGIA 12, AUTOSOMAL DOMINANT. Identifiers: Orphanet 100993, MedGen C1858106, MONDO:0011489, OMIM 604805.
RTN2-related disorder. Also called: RTN2-related condition.

Allele frequency attached by ClinVar (database versions not stated): ExAC 0.00007; 1000 Genomes Project 30x 0.00016; ESP Exome Variant Server 0.00023; gnomAD 0.00023 and 0.00025; TOPMed 0.00039.
gnomAD v4.1: 94 of 1,614,116 alleles (0.0058%); highest among the groups gnomAD compares: African/African-American, 0.11%; no homozygotes.

Submissions (4):

Labcorp Genetics (formerly Invitae), Labcorp
Classification: Likely benign for Spastic paraplegia. Last evaluated: 2025-08-18. Review status: criteria provided, single submitter. Criteria: Invitae Variant Classification Sherloc (09022015). Collection method: clinical testing. Allele origin: germline.

Illumina Laboratory Services, Illumina
Classification: Likely benign for Hereditary spastic paraplegia 12. Last evaluated: 2018-01-13. Review status: criteria provided, single submitter. Criteria: ICSL Variant Classification Criteria 13 December 2019. Collection method: clinical testing. Allele origin: germline.
Comment: This variant was observed in the ICSL laboratory as part of a predisposition screen in an ostensibly healthy population. It had not been previously curated by ICSL or reported in the Human Gene Mutation Database (HGMD: prior to June 1st, 2018), and was therefore a candidate for classification through an automated scoring system. Utilizing variant allele frequency, disease prevalence and penetrance estimates, and inheritance mode, an automated score was calculated to assess if this variant is too frequent to cause the disease. Based on the score and internal cut-off values, a variant classified as likely benign is not then subjected to further curation. The score for this variant resulted in a classification of likely benign for this disease.

Breakthrough Genomics
Classification: Likely benign. Review status: criteria provided, single submitter. Criteria: ACMG Guidelines, 2015. Collection method: not provided. Allele origin: germline. Inheritance: Autosomal dominant inheritance. Affected: yes.

PreventionGenetics, part of Exact Sciences
Classification: Likely benign for RTN2-related condition. Last evaluated: 2023-02-26. Review status: no assertion criteria provided. Collection method: clinical testing. Allele origin: germline. Not counted in ClinVar's aggregate classification.
Comment: This variant is classified as likely benign based on ACMG/AMP sequence variant interpretation guidelines (Richards et al. 2015 PMID: 25741868, with internal and published modifications).

NM_005619.5(RTN2):c.1607C>T (p.Ala536Val)

Genes: OPA3-RTN2 (OPA3-RTN2 readthrough; minus strand), RTN2 (reticulon 2; minus strand). Cytogenetic location: 19q13.32.
Variant type: single nucleotide variant.
Coding change: c.1607C>T on transcript NM_005619.5 (MANE Select); coding-DNA position 1607, C replaced by T.
Protein change: p.Ala536Val; replaces alanine 536 with valine.
Molecular consequence: missense variant.
Genome position (GRCh38, 1-based): chr19:45,485,739, G>A on the plus strand (C>T on the coding strand, the complement: RTN2 is on the minus strand). VCF-style: chr19-45485739-G-A. GRCh37 (hg19) VCF-style: chr19-45988997-G-A.
Other names: c.1607C>T (NM_005619.4); c.1388C>T, p.Ala463Val (NM_206900.3); c.587C>T, p.Ala196Val (NM_206901.3); short protein forms A536V, A196V, A463V.
Identifiers: ClinVar variation 893520 (VCV000893520.15), dbSNP rs140567426, ClinGen allele CA9515892.
Genomic context (GRCh38, chr19:45,485,739, plus strand): 5'-CAGGCGTCCTGCGGGCAGAGACACCGTTCTCATTCGGCTTTGGCTTTGGATCCGGAGACT[G>A]CGGCTGCTGCAGAGGCCAGGGCTCCGGTCCCTGGGATTTTAGCTCGGATCCTGAAGGAGA-3'
Protein context (NP_005610.1, residues 526-545): GTGALASAAA[Ala536Val]VSGSKAKAE